The following is an entry in ClinVar:

NM_000283.4(PDE6B):c.2503+5G>C

Gene: PDE6B (phosphodiesterase 6B; plus strand). Cytogenetic location: 4p16.3.
Variant type: single nucleotide variant.
Coding change: c.2503+5G>C on transcript NM_000283.4 (MANE Select); 5 bases into the intron after coding-DNA position 2503, G replaced by C.
Molecular consequence: intron variant.
Genome position (GRCh38, 1-based): chr4:668,011, G>C. VCF-style: chr4-668011-G-C. GRCh37 (hg19) VCF-style: chr4-661800-G-C.
Other names: c.2503+5G>C (NM_001145291.2); c.1666+5G>C (NM_001379246.1, NM_001379247.1, NM_001145292.2); c.1601+70G>C (NM_001350154.3); c.1283+70G>C (NM_001350155.3).
Identifiers: ClinVar variation 1042611 (VCV001042611.9), dbSNP rs772596728, ClinGen allele CA2795075.
Genomic context (GRCh38, chr4:668,011, plus strand): 5'-CAAAGTGAAGGCTCTGGAGGAGAAGGAGGAGGAGGAGAGGGTGGCAGCCAAGAAAGGTCT[G>C]GCTCTGTGTGGCCTGTGGGGCAGGGACTCGGTGACTCTCCCAAGGCAAAATGAAAAGACA-3'

ClinVar aggregate classification (germline): Uncertain significance. Review status: criteria provided, multiple submitters, no conflicts (2 of 4 stars). 2 submissions from 2 submitters: Uncertain significance (2). Last evaluated 2024-10-23.

Allele frequency attached by ClinVar (database versions not stated): ExAC 0.00001; gnomAD exomes 0.00001.
gnomAD v4.1: 15 of 1,610,680 alleles (0.00093%); highest among the groups gnomAD compares: Non-Finnish European, 0.0012%; no homozygotes.

Submissions (2):

Labcorp Genetics (formerly Invitae), Labcorp
Classification: Uncertain significance. Last evaluated: 2024-10-23. Review status: criteria provided, single submitter. Criteria: Invitae Variant Classification Sherloc (09022015). Collection method: clinical testing. Allele origin: germline.
Comment: This sequence change falls in intron 21 of the PDE6B gene. It does not directly change the encoded amino acid sequence of the PDE6B protein. It affects a nucleotide within the consensus splice site. This variant is present in population databases (rs772596728, gnomAD 0.0009%). This variant has been observed in individual(s) with clinical features of retinitis pigmentosa (PMID: 25999674, 28224992). ClinVar contains an entry for this variant (Variation ID: 1042611). Variants that disrupt the consensus splice site are a relatively common cause of aberrant splicing (PMID: 17576681, 9536098). Algorithms developed to predict the effect of sequence changes on RNA splicing suggest that this variant may disrupt the consensus splice site. In summary, the available evidence is currently insufficient to determine the role of this variant in disease. Therefore, it has been classified as a Variant of Uncertain Significance.

Blueprint Genetics
Classification: Uncertain significance. Last evaluated: 2023-06-11. Review status: criteria provided, single submitter. Criteria: ACMG Guidelines, 2015. Collection method: clinical testing. Allele origin: germline.

Literature cited by the submitters: PubMed 25999674 (cited by Labcorp Genetics (formerly Invitae), Labcorp); PubMed 28224992 (cited by Labcorp Genetics (formerly Invitae), Labcorp); PubMed 17576681 (cited by Labcorp Genetics (formerly Invitae), Labcorp); PubMed 9536098 (cited by Labcorp Genetics (formerly Invitae), Labcorp).